The following is an entry in ClinVar:

NM_001164508.2(NEB):c.8138del (p.Asn2713fs)

Gene: NEB (nebulin; minus strand). Cytogenetic location: 2q23.3.
Variant type: Deletion.
Coding change: c.8138del on transcript NM_001164508.2 (MANE Select); coding-DNA position 8138, one base deleted (A; older notation c.8138delA).
Protein change: p.Asn2713fs; shifts the reading frame from asparagine 2713.
Molecular consequence: frameshift variant.
Genome position (GRCh38, 1-based): chr2:151,643,172, T deleted on the plus strand (A on the coding strand, the reverse complement: NEB is on the minus strand); the first of 6 consecutive T bases (chr2:151,643,172-151,643,177); deleting any one gives the same sequence. VCF-style (leftmost placement, unchanged base first): chr2-151643171-GT-G. GRCh37 (hg19) VCF-style: chr2-152499685-GT-G.
Other names: c.8138del, p.Asn2713fs (NM_001164507.2, NM_001271208.2, NM_004543.5); short protein forms N2713fs.
Identifiers: ClinVar variation 5015847 (VCV005015847.1).

ClinVar aggregate classification (germline): Pathogenic (1 of 4 stars; one submission).

Conditions:
Nemaline myopathy 2 (NEM2). Also called: Nemaline myopathy 2, autosomal recessive. Identifiers: MedGen C1850569, MONDO:0009725, OMIM 256030.

Submission:

Myriad Genetics, Inc.
Classification: Pathogenic for Nemaline myopathy 2. Last evaluated: 2026-04-30. Review status: criteria provided, single submitter. Criteria: Myriad Autosomal Dominant, Autosomal Recessive and X-Linked Classification Criteria (2023). Collection method: clinical testing. Allele origin: unknown.
Comment: NM_001271208.1(NEB):c.8138delA(N2713Tfs*6) is expected to be pathogenic in the context of NEB-related nemaline myopathy. This variant is predicted to lead to an abnormal or absent protein product due to the creation of a premature termination codon in NEB, a gene where loss-of-function variants are known to be pathogenic. Please note: this variant was assessed in the context of healthy population screening.